The following is an entry in ClinVar:

NM_001365951.3(KIF1B):c.4450C>A (p.Arg1484Ser)

Gene: KIF1B (kinesin family member 1B; plus strand). Cytogenetic location: 1p36.22.
Variant type: single nucleotide variant.
Coding change: c.4450C>A on transcript NM_001365951.3 (MANE Select); coding-DNA position 4450, C replaced by A.
Protein change: p.Arg1484Ser; replaces arginine 1484 with serine.
Molecular consequence: missense variant.
Genome position (GRCh38, 1-based): chr1:10,365,183, C>A. VCF-style: chr1-10365183-C-A. GRCh37 (hg19) VCF-style: chr1-10425241-C-A.
Other names: c.4450C>A, p.Arg1484Ser (NM_001365952.1); c.4312C>A, p.Arg1438Ser (NM_015074.3); short protein forms R1438S, R1484S.
Identifiers: ClinVar variation 3533931 (VCV003533931.1).

ClinVar aggregate classification (germline): Uncertain significance (1 of 4 stars; one submission).

Submission:

Ambry Genetics
Classification: Uncertain significance. Last evaluated: 2024-07-11. Review status: criteria provided, single submitter. Criteria: Ambry Variant Classification Scheme 2023. Collection method: clinical testing. Allele origin: germline.
Comment: The p.R1438S variant (also known as c.4312C>A), located in coding exon 39 of the KIF1B gene, results from a C to A substitution at nucleotide position 4312. The arginine at codon 1438 is replaced by serine, an amino acid with dissimilar properties. This amino acid position is conserved. In addition, this alteration is predicted to be deleterious by in silico analysis. Based on the available evidence, the clinical significance of this variant remains unclear.